The following is an entry in ClinVar:

ClinVar aggregate classification (germline): Uncertain significance (1 of 4 stars; one submission).

Allele frequency attached by ClinVar (database versions not stated): gnomAD exomes below 0.00001; TOPMed 0.00003.
gnomAD v4.1: 1 of 1,194,663 alleles (0.000084%); highest among the groups gnomAD compares: Non-Finnish European, 0.00011%; no homozygotes.

Submission:

Labcorp Genetics (formerly Invitae), Labcorp
Classification: Uncertain significance. Last evaluated: 2022-07-04. Review status: criteria provided, single submitter. Criteria: Invitae Variant Classification Sherloc (09022015). Collection method: clinical testing. Allele origin: germline.
Comment: This sequence change replaces asparagine, which is neutral and polar, with serine, which is neutral and polar, at codon 1491 of the NEXMIF protein (p.Asn1491Ser). This variant is not present in population databases (gnomAD no frequency). In summary, the available evidence is currently insufficient to determine the role of this variant in disease. Therefore, it has been classified as a Variant of Uncertain Significance. Algorithms developed to predict the effect of missense changes on protein structure and function output the following: SIFT: "Tolerated"; PolyPhen-2: "Benign"; Align-GVGD: "Class C0". The serine amino acid residue is found in multiple mammalian species, which suggests that this missense change does not adversely affect protein function. This variant has not been reported in the literature in individuals affected with NEXMIF-related conditions.

NM_001008537.3(NEXMIF):c.4472A>G (p.Asn1491Ser)

Gene: NEXMIF (neurite extension and migration factor; minus strand). Cytogenetic location: Xq13.3.
Variant type: single nucleotide variant.
Coding change: c.4472A>G on transcript NM_001008537.3 (MANE Select); coding-DNA position 4472, A replaced by G.
Protein change: p.Asn1491Ser; replaces asparagine 1491 with serine.
Molecular consequence: missense variant.
Genome position (GRCh38, 1-based): chrX:74,739,484, T>C on the plus strand (A>G on the coding strand, the complement: NEXMIF is on the minus strand). VCF-style: chrX-74739484-T-C. GRCh37 (hg19) VCF-style: chrX-73959319-T-C.
Other names: short protein forms N1491S.
Identifiers: ClinVar variation 1953819 (VCV001953819.5), dbSNP rs1403250127, ClinGen allele CA413663048.